The following is an entry in ClinVar:

ClinVar aggregate classification (germline): Likely pathogenic (1 of 4 stars; one submission).

Conditions:
Inborn genetic diseases. Identifiers: MedGen C0950123, MeSH D030342.

gnomAD v4.1: 1 of 1,612,698 alleles (0.000062%); highest among the groups gnomAD compares: South Asian, 0.0011%; no homozygotes.

Submission:

Ambry Genetics
Classification: Likely pathogenic for Inborn genetic diseases. Last evaluated: 2025-04-17. Review status: criteria provided, single submitter. Criteria: Ambry Variant Classification Scheme 2023. Collection method: clinical testing. Allele origin: germline.
Comment: The c.27+2T>A intronic variant results from a T to A substitution two nucleotides after coding exon 1 in the DDX41 gene. This nucleotide position is highly conserved in available vertebrate species. In silico splice site analysis predicts that this alteration will weaken the native splice donor site; however, direct evidence is insufficient at this time (Ambry internal data). The stop codon in the predicted resulting transcript occurs in the 5' end ofthe DDX41 gene. As such, this alteration may escape nonsense-mediated mRNAdecay and/or be prone to rescue by reinitiation (Rivas et al. Science. 2015 May 8;348(6235):666-9; Lindeboom et al. Nat Genet. 2016 Oct;48(10):1112-8; Rhee et al. Sci Rep. 2017 May 10;7(1):1653). The exact functional effect of this alteration is unknown; however, the region predicted to be impacted is critical for protein function (Ambry internal data). This variant is considered to be rare based on population cohorts in the Genome Aggregation Database (gnomAD). Based on the majority of available evidence to date, this variant is likely to be pathogenic.

NM_016222.4(DDX41):c.27+2T>A

Gene: DDX41 (DEAD-box helicase 41; minus strand). Cytogenetic location: 5q35.3.
Variant type: single nucleotide variant.
Coding change: c.27+2T>A on transcript NM_016222.4 (MANE Select); the canonical splice donor site of the intron after coding-DNA position 27, T replaced by A.
Molecular consequence: splice donor variant.
Genome position (GRCh38, 1-based): chr5:177,516,917, A>T on the plus strand (T>A on the coding strand, the complement: DDX41 is on the minus strand). VCF-style: chr5-177516917-A-T. GRCh37 (hg19) VCF-style: chr5-176943918-A-T.
Other names: c.-421+2T>A (NM_001321830.2); c.-629+2T>A (NM_001321732.2).
Identifiers: ClinVar variation 4010301 (VCV004010301.1).
Genomic context (GRCh38, chr5:177,516,917, plus strand): 5'-GCACGGCCTGCTCCCCTCTTCACGCCCGCTCCCACACGCGCGGGGTCTCGCCTCTCTCCT[A>T]CCTTCCGTTCGGGTTCCGACTCCTCCATTCTTTGCTGCACGCATGCGCGCCACGGCGAAA-3'